The following is an entry in ClinVar:

NM_001128159.3(VPS53):c.1008G>T (p.Ala336=)

Gene: VPS53 (VPS53 subunit of GARP complex; minus strand). Cytogenetic location: 17p13.3.
Variant type: single nucleotide variant.
Coding change: c.1008G>T on transcript NM_001128159.3 (MANE Select); coding-DNA position 1008, G replaced by T.
Protein change: p.Ala336=; no amino-acid change (alanine 336 retained).
Molecular consequence: synonymous variant.
Genome position (GRCh38, 1-based): chr17:623,641, C>A on the plus strand (G>T on the coding strand, the complement: VPS53 is on the minus strand). VCF-style: chr17-623641-C-A. GRCh37 (hg19) VCF-style: chr17-526881-C-A.
Other names: c.1008G>T, p.Ala336= (NM_001366253.2); c.414G>T, p.Ala138= (NM_001366254.2); c.921G>T, p.Ala307= (NM_018289.4); c.1008G>T (NM_001128159.2).
Identifiers: ClinVar variation 2741030 (VCV002741030.5), dbSNP rs377280066, ClinGen allele CA8261574.

ClinVar aggregate classification (germline): Likely benign. Review status: criteria provided, single submitter (1 of 4 stars). 2 submissions from 2 submitters: Likely benign (1). 1 of the submissions does not count toward it. Last evaluated 2026-01-21.

Conditions:
VPS53-related disorder. Also called: VPS53-related condition.

Allele frequency attached by ClinVar (database versions not stated): 1000 Genomes Project 0.00040; 1000 Genomes Project 30x 0.00047.
gnomAD v4.1: 18 of 1,613,750 alleles (0.0011%); highest among the groups gnomAD compares: South Asian, 0.019%; no homozygotes.

Submissions (2):

Labcorp Genetics (formerly Invitae), Labcorp
Classification: Likely benign. Last evaluated: 2026-01-21. Review status: criteria provided, single submitter. Criteria: Invitae Variant Classification Sherloc (09022015). Collection method: clinical testing. Allele origin: germline.

PreventionGenetics, part of Exact Sciences
Classification: Likely benign for VPS53-related condition. Last evaluated: 2019-04-18. Review status: no assertion criteria provided. Collection method: clinical testing. Allele origin: germline. Not counted in ClinVar's aggregate classification.
Comment: This variant is classified as likely benign based on ACMG/AMP sequence variant interpretation guidelines (Richards et al. 2015 PMID: 25741868, with internal and published modifications).